The following is an entry in ClinVar:

NM_015338.6(ASXL1):c.3688G>A (p.Asp1230Asn)

Gene: ASXL1 (ASXL transcriptional regulator 1; plus strand). Cytogenetic location: 20q11.21.
Variant type: single nucleotide variant.
Coding change: c.3688G>A on transcript NM_015338.6 (MANE Select); coding-DNA position 3688, G replaced by A.
Protein change: p.Asp1230Asn; replaces aspartic acid 1230 with asparagine.
Molecular consequence: missense variant.
Genome position (GRCh38, 1-based): chr20:32,436,400, G>A. VCF-style: chr20-32436400-G-A. GRCh37 (hg19) VCF-style: chr20-31024203-G-A.
Other names: c.3505G>A, p.Asp1169Asn (NM_001363734.1); short protein forms D1169N, D1230N.
Identifiers: ClinVar variation 3957850 (VCV003957850.1).

ClinVar aggregate classification (germline): Uncertain significance (1 of 4 stars; one submission).

Conditions:
Inborn genetic diseases. Identifiers: MedGen C0950123, MeSH D030342.

Submission:

Ambry Genetics
Classification: Uncertain significance for Inborn genetic diseases. Last evaluated: 2025-06-12. Review status: criteria provided, single submitter. Criteria: Ambry Variant Classification Scheme 2023. Collection method: clinical testing. Allele origin: germline.
Comment: The p.D1230N variant (also known as c.3688G>A), located in coding exon 13 of the ASXL1 gene, results from a G to A substitution at nucleotide position 3688. The aspartic acid at codon 1230 is replaced by asparagine, an amino acid with highly similar properties. This amino acid position is conserved. In addition, this alteration is predicted to be tolerated by in silico analysis. Based on the available evidence, the clinical significance of this variant remains unclear.